The following is an entry in ClinVar:

ClinVar aggregate classification (germline): Pathogenic (3 of 4 stars; one submission).

Conditions:
Breast-ovarian cancer, familial, susceptibility to, 2 (BROVCA2). Also called: BRCA2 Hereditary Breast and Ovarian Cancer. Identifiers: Orphanet 145, MedGen C2675520, MONDO:0012933, OMIM 612555. Disease mechanism: loss of function.

Submission:

Evidence-based Network for the Interpretation of Germline Mutant Alleles (ENIGMA)
Classification: Pathogenic for Breast-ovarian cancer, familial, susceptibility to, 2. Last evaluated: 2017-12-15. Review status: reviewed by expert panel. Criteria: ENIGMA BRCA1/2 Classification Criteria (2017-06-29). Collection method: curation. Allele origin: germline. Study: ENIGMA.
Comment: Variant allele predicted to encode a truncated non-functional protein.

NM_000059.4(BRCA2):c.568_569insAACG (p.Pro190fs)

Gene: BRCA2 (BRCA2 DNA repair associated; plus strand). Cytogenetic location: 13q13.1.
Variant type: Insertion.
Coding change: c.568_569insAACG on transcript NM_000059.4 (MANE Select); coding-DNA positions 568 to 569, AACG inserted.
Protein change: p.Pro190fs; shifts the reading frame from proline 190.
Molecular consequence: frameshift variant.
Genome position: GRCh38 VCF-style: chr13-32326550-C-CAACG. GRCh37 (hg19) VCF-style: chr13-32900687-C-CAACG.
Other names: short protein forms P190fs.
Identifiers: ClinVar variation 548377 (VCV000548377.1), dbSNP rs1555281068, ClinGen allele CA658823635.